The following is an entry in ClinVar:

ClinVar aggregate classification (germline): Benign. Review status: criteria provided, multiple submitters, no conflicts (2 of 4 stars). 7 submissions from 6 submitters: Benign (7). Last evaluated 2026-02-04.

Conditions:
EEM syndrome (EEMS). Identifiers: Orphanet 1897, MedGen C1857041, MONDO:0009155, OMIM 225280.
Congenital hypotrichosis with juvenile macular dystrophy (HJMD). Also called: HYPOTRICHOSIS WITH CONE-ROD DYSTROPHY. Identifiers: Orphanet 1573, MedGen C1832162, MONDO:0011107, OMIM 601553.

Allele frequency attached by ClinVar (database versions not stated): gnomAD exomes 0.58911 and 0.61484; ExAC 0.59400; 1000 Genomes Project 30x 0.60259; 1000 Genomes Project 0.60783; TOPMed 0.62354; gnomAD 0.62657 and 0.63066; ESP Exome Variant Server 0.64020.
gnomAD v4.1: 992,145 of 1,610,936 alleles (62%); highest among the groups gnomAD compares: African/African-American, 67%; 307,296 homozygotes.

Submissions (7):

Labcorp Genetics (formerly Invitae), Labcorp
Classification: Benign. Last evaluated: 2026-02-04. Review status: criteria provided, single submitter. Criteria: Invitae Variant Classification Sherloc (09022015). Collection method: clinical testing. Allele origin: germline.

Blueprint Genetics
Classification: Benign. Last evaluated: 2024-11-28. Review status: criteria provided, single submitter. Criteria: ACMG Guidelines, 2015. Collection method: clinical testing. Allele origin: germline.

Genome-Nilou Lab
Classification: Benign for EEM syndrome. Last evaluated: 2021-07-14. Review status: criteria provided, single submitter. Criteria: ACMG Guidelines, 2015. Collection method: clinical testing. Allele origin: germline. Affected: no.

Genome-Nilou Lab
Classification: Benign for Congenital hypotrichosis with juvenile macular dystrophy. Last evaluated: 2021-07-14. Review status: criteria provided, single submitter. Criteria: ACMG Guidelines, 2015. Collection method: clinical testing. Allele origin: germline. Affected: no.

GeneDx
Classification: Benign. Last evaluated: 2018-04-26. Review status: criteria provided, single submitter. Criteria: GeneDx Variant Classification (06012015). Collection method: clinical testing. Allele origin: germline. Affected: yes.
Comment: This variant is considered likely benign or benign based on one or more of the following criteria: it is a conservative change, it occurs at a poorly conserved position in the protein, it is predicted to be benign by multiple in silico algorithms, and/or has population frequency not consistent with disease.

Illumina Laboratory Services, Illumina
Classification: Benign for EEM syndrome. Last evaluated: 2018-01-12. Review status: criteria provided, single submitter. Criteria: ICSL Variant Classification Criteria 13 December 2019. Collection method: clinical testing. Allele origin: germline.
Comment: This variant was observed in the ICSL laboratory as part of a predisposition screen in an ostensibly healthy population. It had not been previously curated by ICSL or reported in the Human Gene Mutation Database (HGMD: prior to June 1st, 2018), and was therefore a candidate for classification through an automated scoring system. Utilizing variant allele frequency, disease prevalence and penetrance estimates, and inheritance mode, an automated score was calculated to assess if this variant is too frequent to cause the disease. Based on the score and internal cut-off values, a variant classified as benign is not then subjected to further curation. The score for this variant resulted in a classification of benign for this disease.

Breakthrough Genomics
Classification: Benign. Review status: criteria provided, single submitter. Criteria: ACMG Guidelines, 2015. Collection method: not provided. Allele origin: germline. Inheritance: Autosomal recessive inheritance. Affected: yes.

NM_001793.6(CDH3):c.720G>A (p.Thr240=)

Gene: CDH3 (cadherin 3; plus strand). Cytogenetic location: 16q22.1.
Variant type: single nucleotide variant.
Coding change: c.720G>A on transcript NM_001793.6 (MANE Select); coding-DNA position 720, G replaced by A.
Protein change: p.Thr240=; no amino-acid change (threonine 240 retained).
Molecular consequence: synonymous variant.
Genome position (GRCh38, 1-based): chr16:68,679,827, G>A. VCF-style: chr16-68679827-G-A. GRCh37 (hg19) VCF-style: chr16-68713730-G-A.
Other names: c.720G>A, p.Thr240= (NM_001317195.3); c.555G>A, p.Thr185= (NM_001317196.2).
Identifiers: ClinVar variation 320229 (VCV000320229.19), dbSNP rs2296409, ClinGen allele CA8129132.
Genomic context (GRCh38, chr16:68,679,827, plus strand): 5'-GGGAGGAAAAGATACTCATCCCTTCTCTCCAGGTACTTCTGTGATGCAGGTGACAGCCAC[G>A]GATGAGGATGATGCCATCTACACCTACAATGGGGTGGTTGCTTACTCCATCCATAGCCAA-3'
Protein context (NP_001784.2, residues 230-250): PGTSVMQVTA[Thr240=]DEDDAIYTYN